The following is an entry in ClinVar:

ClinVar aggregate classification (germline): Uncertain significance (1 of 4 stars; one submission).

Conditions:
Osteogenesis imperfecta type I (OI1). Also called: Lobstein disease; Classic Non-deforming Osteogenesis Imperfecta with Blue Sclerae; OI, TYPE I; OSTEOGENESIS IMPERFECTA TARDA; OSTEOGENESIS IMPERFECTA WITH BLUE SCLERAE; Osteogenesis imperfecta type 1. Identifiers: Orphanet 216796, Orphanet 666, MedGen C0023931, MONDO:0008146, OMIM 166200. Disease mechanism: loss of function.

Submission:

Labcorp Genetics (formerly Invitae), Labcorp
Classification: Uncertain significance for Osteogenesis imperfecta type I. Last evaluated: 2025-12-03. Review status: criteria provided, single submitter. Criteria: Invitae Variant Classification Sherloc (09022015). Collection method: clinical testing. Allele origin: germline.
Comment: This sequence change replaces proline, which is neutral and non-polar, with alanine, which is neutral and non-polar, at codon 1255 of the COL1A1 protein (p.Pro1255Ala). This variant is not present in population databases (gnomAD no frequency). This variant has not been reported in the literature in individuals affected with COL1A1-related conditions. Invitae Evidence Modeling of protein sequence and biophysical properties (such as structural, functional, and spatial information, amino acid conservation, physicochemical variation, residue mobility, and thermodynamic stability) indicates that this missense variant is expected to disrupt COL1A1 protein function with a positive predictive value of 95%. In summary, the available evidence is currently insufficient to determine the role of this variant in disease. Therefore, it has been classified as a Variant of Uncertain Significance.

NM_000088.4(COL1A1):c.3763C>G (p.Pro1255Ala)

Gene: COL1A1 (collagen type I alpha 1 chain; minus strand). Cytogenetic location: 17q21.33.
Variant type: single nucleotide variant.
Coding change: c.3763C>G on transcript NM_000088.4 (MANE Select); coding-DNA position 3763, C replaced by G.
Protein change: p.Pro1255Ala; replaces proline 1255 with alanine.
Molecular consequence: missense variant.
Genome position (GRCh38, 1-based): chr17:50,186,691, G>C on the plus strand (C>G on the coding strand, the complement: COL1A1 is on the minus strand). VCF-style: chr17-50186691-G-C. GRCh37 (hg19) VCF-style: chr17-48264052-G-C.
Other names: short protein forms P1255A.
Identifiers: ClinVar variation 4769744 (VCV004769744.1).